The following is an entry in ClinVar:

ClinVar aggregate classification (germline): Benign/Likely benign. Review status: criteria provided, multiple submitters, no conflicts (2 of 4 stars). 14 submissions from 14 submitters: Benign (6); Likely benign (3). 5 of the submissions do not count toward it. Last evaluated 2026-09-01.

Conditions:
Kidney disorder. Also called: renal disease; Kidney disease; Kidney Diseases; Nephropathy; renal disorder. Identifiers: MedGen C0022658, MONDO:0005240, HP:0000112.
Nephronophthisis. Also called: Juvenile Nephronophthisis. Identifiers: Orphanet 655, MedGen C0687120, MONDO:0019005, HP:0000090.
Nephronophthisis 4 (NPHP4). Also called: NEPHRONOPHTHISIS 4, JUVENILE. Identifiers: Orphanet 655, MedGen C1847013, MONDO:0011752, OMIM 606966.

Allele frequency attached by ClinVar (database versions not stated): 1000 Genomes Project 0.00759; ExAC 0.01531; ESP Exome Variant Server 0.01589; 1000 Genomes Project 30x 0.00781; TOPMed 0.01397; gnomAD 0.01541 and 0.01606; gnomAD exomes 0.01547 and 0.02167.
gnomAD v4.1: 33,913 of 1,613,640 alleles (2.1%); highest among the groups gnomAD compares: Non-Finnish European, 2.5%; 435 homozygotes.

Submissions (14):

CeGaT Center for Human Genetics Tuebingen
Classification: Benign. Last evaluated: 2026-09-01. Review status: criteria provided, single submitter. Criteria: CeGaT Center For Human Genetics Tuebingen Variant Classification Criteria Version 2. Collection method: clinical testing. Allele origin: germline. Affected: yes. Observed: 22 variant alleles.
Comment: NPHP4: BS1, BS2

Labcorp Genetics (formerly Invitae), Labcorp
Classification: Benign for Nephronophthisis. Last evaluated: 2026-02-02. Review status: criteria provided, single submitter. Criteria: Invitae Variant Classification Sherloc (09022015). Collection method: clinical testing. Allele origin: germline.

Blueprint Genetics
Classification: Likely benign. Last evaluated: 2024-11-25. Review status: criteria provided, single submitter. Criteria: ACMG Guidelines, 2015. Collection method: clinical testing. Allele origin: germline.

Mayo Clinic Laboratories, Mayo Clinic
Classification: Benign. Last evaluated: 2023-01-18. Review status: criteria provided, single submitter. Criteria: ACMG Guidelines, 2015. Collection method: clinical testing. Allele origin: germline. Observed: 24 variant alleles.
Comment: BS1, BS2

Genome Diagnostics Laboratory, The Hospital for Sick Children
Classification: Likely benign for Kidney disorder. Last evaluated: 2020-02-01. Review status: criteria provided, single submitter. Criteria: ACMG Guidelines, 2015. Collection method: clinical testing. Allele origin: germline.

Mendelics
Classification: Benign for Nephronophthisis 4. Last evaluated: 2019-05-28. Review status: criteria provided, single submitter. Criteria: Mendelics Assertion Criteria 2017. Collection method: clinical testing. Allele origin: unknown.

Illumina Laboratory Services, Illumina
Classification: Likely benign for Nephronophthisis 4. Last evaluated: 2017-04-27. Review status: criteria provided, single submitter. Criteria: ICSL Variant Classification Criteria 13 December 2019. Collection method: clinical testing. Allele origin: germline.
Comment: This variant was observed as part of a predisposition screen in an ostensibly healthy population. A literature search was performed for the gene, cDNA change, and amino acid change (where applicable). Publications were found based on this search. The evidence from the literature, in combination with allele frequency data from public databases where available, was sufficient to determine this variant is unlikely to cause disease. Therefore, this variant is classified as likely benign.

Eurofins Ntd Llc (ga)
Classification: Benign. Last evaluated: 2013-02-22. Review status: criteria provided, single submitter. Criteria: EGL Classification Definitions 2015. Collection method: clinical testing. Allele origin: germline. Observed: 3 variant alleles, 3 heterozygotes.

Broad Center for Mendelian Genomics, Broad Institute of MIT and Harvard
Classification: Benign for Nephronophthisis 4. Review status: criteria provided, single submitter. Criteria: ACMG Guidelines, 2015. Collection method: research. Allele origin: germline. Inheritance: Autosomal recessive inheritance. Affected: yes.
Comment: The heterozygous p.Arg848Trp variant in NPHP4 has been identified in 3 individuals with nephronophthisis, segregated with disease in 3 relatives from 1 family (PMID: 12205563), but has also been identified in >2% of European (Finnish) chromosomes and 15 homozygotes by ExAC. In summary, this variant meets criteria to be classified as benign for autosomal recessive nephronophthisis.

OMIM
Classification: Pathogenic for NEPHRONOPHTHISIS 4. Last evaluated: 2002-11-01. Review status: no assertion criteria provided. Collection method: literature only. Allele origin: germline. Not counted in ClinVar's aggregate classification.

Clinical Genetics DNA and cytogenetics Diagnostics Lab, Erasmus MC, Erasmus Medical Center
Classification: Likely benign. Review status: no assertion criteria provided. Collection method: clinical testing. Allele origin: germline. Affected: yes. Study: VKGL Data-share Consensus. Not counted in ClinVar's aggregate classification.

Diagnostic Laboratory, Department of Genetics, University Medical Center Groningen
Classification: Benign. Review status: no assertion criteria provided. Collection method: clinical testing. Allele origin: germline. Affected: yes. Study: VKGL Data-share Consensus. Not counted in ClinVar's aggregate classification.

Genome Diagnostics Laboratory, University Medical Center Utrecht
Classification: Benign. Review status: no assertion criteria provided. Collection method: clinical testing. Allele origin: germline. Affected: yes. Study: VKGL Data-share Consensus. Not counted in ClinVar's aggregate classification.

Laboratory of Diagnostic Genome Analysis, Leiden University Medical Center (LUMC)
Classification: Benign. Review status: no assertion criteria provided. Collection method: clinical testing. Allele origin: germline. Affected: yes. Study: VKGL Data-share Consensus. Not counted in ClinVar's aggregate classification.

Literature cited by the submitters: PubMed 12205563 (cited by 3 submitters); PubMed 15776426 (cited by Mayo Clinic Laboratories, Mayo Clinic and Illumina Laboratory Services, Illumina); PubMed 16339905 (cited by Mayo Clinic Laboratories, Mayo Clinic); PubMed 23820649 (cited by Mayo Clinic Laboratories, Mayo Clinic); PubMed 26346198 (cited by Mayo Clinic Laboratories, Mayo Clinic); PubMed 23217326 (cited by Illumina Laboratory Services, Illumina).

NM_015102.5(NPHP4):c.2542C>T (p.Arg848Trp)

Gene: NPHP4 (nephrocystin 4; minus strand). Cytogenetic location: 1p36.31.
Variant type: single nucleotide variant.
Coding change: c.2542C>T on transcript NM_015102.5 (MANE Select); coding-DNA position 2542, C replaced by T.
Protein change: p.Arg848Trp; replaces arginine 848 with tryptophan.
Molecular consequence: missense variant. On other transcripts: non-coding transcript variant (1).
Genome position (GRCh38, 1-based): chr1:5,880,183, G>A on the plus strand (C>T on the coding strand, the complement: NPHP4 is on the minus strand). VCF-style: chr1-5880183-G-A. GRCh37 (hg19) VCF-style: chr1-5940243-G-A.
Other names: c.1003C>T, p.Arg335Trp (NM_001291593.2); c.1006C>T, p.Arg336Trp (NM_001291594.2); short protein forms R848W, R335W, R336W.
Identifiers: ClinVar variation 95675 (VCV000095675.66), dbSNP rs17472401, ClinGen allele CA148737.